The following is an entry in ClinVar:

ClinVar aggregate classification (germline): Benign/Likely benign. Review status: criteria provided, multiple submitters, no conflicts (2 of 4 stars). 4 submissions from 4 submitters: Benign (1); Likely benign (3). Last evaluated 2025-06-03.

Conditions:
Inborn genetic diseases. Identifiers: MedGen C0950123, MeSH D030342.

Allele frequency attached by ClinVar (database versions not stated): gnomAD 0.00004 and 0.00017; TOPMed 0.00008; gnomAD exomes 0.00033 and 0.00060; ExAC 0.00072; 1000 Genomes Project 0.00120; 1000 Genomes Project 30x 0.00125.
gnomAD v4.1: 504 of 1,614,156 alleles (0.031%); highest among the groups gnomAD compares: South Asian, 0.48%; 8 homozygotes.

Submissions (4):

Labcorp Genetics (formerly Invitae), Labcorp
Classification: Benign. Last evaluated: 2025-06-03. Review status: criteria provided, single submitter. Criteria: Invitae Variant Classification Sherloc (09022015). Collection method: clinical testing. Allele origin: germline.

Blueprint Genetics
Classification: Likely benign. Last evaluated: 2024-11-18. Review status: criteria provided, single submitter. Criteria: ACMG Guidelines, 2015. Collection method: clinical testing. Allele origin: germline.

CeGaT Center for Human Genetics Tuebingen
Classification: Likely benign. Last evaluated: 2022-12-01. Review status: criteria provided, single submitter. Criteria: CeGaT Center For Human Genetics Tuebingen Variant Classification Criteria Version 2. Collection method: clinical testing. Allele origin: germline. Affected: yes. Observed: 1 variant allele.
Comment: AARS2: BP4, BS2

Ambry Genetics
Classification: Likely benign for Inborn genetic diseases. Last evaluated: 2021-08-10. Review status: criteria provided, single submitter. Criteria: Ambry Variant Classification Scheme 2023. Collection method: clinical testing. Allele origin: germline.

NM_020745.4(AARS2):c.2416C>T (p.Arg806Trp)

Gene: AARS2 (alanyl-tRNA synthetase 2, mitochondrial; minus strand). Cytogenetic location: 6p21.1.
Variant type: single nucleotide variant.
Coding change: c.2416C>T on transcript NM_020745.4 (MANE Select); coding-DNA position 2416, C replaced by T.
Protein change: p.Arg806Trp; replaces arginine 806 with tryptophan.
Molecular consequence: missense variant.
Genome position (GRCh38, 1-based): chr6:44,302,462, G>A on the plus strand (C>T on the coding strand, the complement: AARS2 is on the minus strand). VCF-style: chr6-44302462-G-A. GRCh37 (hg19) VCF-style: chr6-44270199-G-A.
Other names: short protein forms R806W.
Identifiers: ClinVar variation 1638229 (VCV001638229.34), dbSNP rs200653667, ClinGen allele CA3833989.